The following is an entry in ClinVar:

NM_024422.6(DSC2):c.2437C>A (p.His813Asn)

Gene: DSC2 (desmocollin 2; minus strand). Cytogenetic location: 18q12.1.
Variant type: single nucleotide variant.
Coding change: c.2437C>A on transcript NM_024422.6 (MANE Select); coding-DNA position 2437, C replaced by A.
Protein change: p.His813Asn; replaces histidine 813 with asparagine.
Molecular consequence: missense variant.
Genome position (GRCh38, 1-based): chr18:31,068,965, G>T on the plus strand (C>A on the coding strand, the complement: DSC2 is on the minus strand). VCF-style: chr18-31068965-G-T. GRCh37 (hg19) VCF-style: chr18-28648931-G-T.
Other names: c.2008C>A, p.His670Asn (NM_001406506.1, NM_001406507.1); c.2437C>A, p.His813Asn (NM_004949.5); short protein forms H670N, H813N.
Identifiers: ClinVar variation 3073981 (VCV003073981.1), dbSNP rs1402474064, ClinGen allele CA402111277.

ClinVar aggregate classification (germline): Uncertain significance (1 of 4 stars; one submission).

Conditions:
Familial isolated arrhythmogenic right ventricular dysplasia. Identifiers: Orphanet 217656, MedGen C4274968, MONDO:0016342.

Submission:

All of Us Research Program, National Institutes of Health
Classification: Uncertain significance for Familial isolated arrhythmogenic right ventricular dysplasia. Last evaluated: 2023-11-30. Review status: criteria provided, single submitter. Criteria: ACMG Guidelines, 2015. Collection method: clinical testing. Allele origin: germline. Inheritance: Autosomal dominant inheritance. Observed: 1 variant allele, 1 heterozygote.
Comment: This study involves interpretation of variants in research participants for the purpose of population health screening. Participant phenotype was not available at the time of variant classification. Additional details can be found in publication PMID: 35346344, PMCID: PMC8962531